The following is an entry in ClinVar:

NM_001165963.4(SCN1A):c.379C>G (p.His127Asp)

Gene: SCN1A (sodium voltage-gated channel alpha subunit 1; minus strand). Cytogenetic location: 2q24.3.
Variant type: single nucleotide variant.
Coding change: c.379C>G on transcript NM_001165963.4 (MANE Select); coding-DNA position 379, C replaced by G.
Protein change: p.His127Asp; replaces histidine 127 with aspartic acid.
Molecular consequence: missense variant. On other transcripts: 5 prime UTR variant (1), non-coding transcript variant (1).
Genome position (GRCh38, 1-based): chr2:166,058,574, G>C on the plus strand (C>G on the coding strand, the complement: SCN1A is on the minus strand). VCF-style: chr2-166058574-G-C. GRCh37 (hg19) VCF-style: chr2-166915084-G-C.
Other names: p.H127D:CAT>GAT; c.379C>G, p.His127Asp (NM_001165964.3, NM_001202435.3, NM_001353948.2 and 10 more transcripts); c.-2047C>G (NM_001353961.2); c.379C>G (NM_001202435.1); short protein forms H127D.
Identifiers: ClinVar variation 195131 (VCV000195131.51), dbSNP rs148442069, ClinGen allele CA302801.

ClinVar aggregate classification (germline): Conflicting classifications of pathogenicity. Review status: criteria provided, conflicting classifications (1 of 4 stars). 9 submissions from 9 submitters: Uncertain significance (4); Likely benign (2). 3 of the submissions do not count toward it. Last evaluated 2025-11-06.

Conditions:
Early-infantile DEE. Also called: Early infantile epileptic encephalopathy; Early infantile epileptic encephalopathy with suppression bursts; Ohtahara syndrome. Identifiers: Orphanet 1934, MedGen C0393706, MONDO:0800491.
SCN1A-related disorder. Also called: SCN1A-related conditions; SCN1A-related condition; SCN1A-related disorders.
Migraine, familial hemiplegic, 3. Identifiers: Orphanet 569, MedGen C1864987, MONDO:0012320, OMIM 609634.
Severe myoclonic epilepsy in infancy (DRVT). Also called: Dravet syndrome; Epileptic encephalopathy, early infantile, 6 (Dravet syndrome); SEVERE MYOCLONIC EPILEPSY OF INFANCY; DEVELOPMENTAL AND EPILEPTIC ENCEPHALOPATHY 6A; Severe Myoclonic Epilepsy in Infancy (SMEI). Identifiers: Orphanet 33069, MedGen C0751122, MONDO:0100135, OMIM 607208.
Generalized epilepsy with febrile seizures plus, type 2 (GEFSP2). Also called: GEFS+, TYPE 2. Identifiers: Orphanet 36387, MedGen C1858673, MONDO:0011461, OMIM 604403.

Allele frequency attached by ClinVar (database versions not stated): ExAC 0.00006; gnomAD exomes 0.00007 and 0.00016; ESP Exome Variant Server 0.00008; TOPMed 0.00009; gnomAD 0.00011.
gnomAD v4.1: 232 of 1,548,624 alleles (0.015%); highest among the groups gnomAD compares: Non-Finnish European, 0.02%; no homozygotes.

Submissions (9):

Dasa
Classification: Uncertain significance. Last evaluated: 2025-11-06. Review status: criteria provided, single submitter. Criteria: DASA Assertion Criteria. Collection method: clinical testing. Allele origin: germline.
Comment: NM_001165963.4(SCN1A):c.379C>G (p.His127Asp) is a missense variant that results in the substitution of histidine with aspartic acid. This variant has been reported in individuals with related phenotype (PMID: 21248271). Multiple computational predictions support a deleterious effect on the gene or gene product. Based on the available data, this variant is classified as variant of uncertain significance.

Labcorp Genetics (formerly Invitae), Labcorp
Classification: Likely benign for Early-infantile DEE. Last evaluated: 2025-07-20. Review status: criteria provided, single submitter. Criteria: Invitae Variant Classification Sherloc (09022015). Collection method: clinical testing. Allele origin: germline.

GeneDx
Classification: Uncertain significance. Last evaluated: 2025-04-24. Review status: criteria provided, single submitter. Criteria: GeneDx Variant Classification Process June 2021. Collection method: clinical testing. Allele origin: germline. Affected: yes.
Comment: Reported as an apparently de novo change in an individual with clinical features of borderline Dravet syndrome; however, paternity was not established. In the same paper, p.H127D was identified in another individual with classic Dravet syndrome who had another missense variant (p.P1451S) in SCN1A (PMID: 21248271); This substitution is predicted to be in the N-terminal cytoplasmic domain; In silico analysis supports that this missense variant has a deleterious effect on protein structure/function; This variant is associated with the following publications: (PMID: 20831750, 28150151, 28202706, 29655203, 32090326, 32725632, 34598035, 35074891, 21248271, 39168079, 38410936, 37194601, 35711923)

CeGaT Center for Human Genetics Tuebingen
Classification: Likely benign. Last evaluated: 2023-10-01. Review status: criteria provided, single submitter. Criteria: CeGaT Center For Human Genetics Tuebingen Variant Classification Criteria Version 2. Collection method: clinical testing. Allele origin: germline. Affected: yes. Observed: 2 variant alleles.
Comment: SCN1A: PM5, PP3, BS2

Fulgent Genetics
Classification: Uncertain significance for Generalized epilepsy with febrile seizures plus, type 2; Severe myoclonic epilepsy in infancy; Migraine, familial hemiplegic, 3. Last evaluated: 2018-10-31. Review status: criteria provided, single submitter. Criteria: ACMG Guidelines, 2015. Collection method: clinical testing. Allele origin: unknown.

Eurofins Ntd Llc (ga)
Classification: Uncertain significance. Last evaluated: 2015-03-12. Review status: criteria provided, single submitter. Criteria: EGL Classification Definitions 2015. Collection method: clinical testing. Allele origin: germline. Observed: 1 variant allele, 1 heterozygote.

PreventionGenetics, part of Exact Sciences
Classification: Likely benign for SCN1A-related condition. Last evaluated: 2024-08-09. Review status: no assertion criteria provided. Collection method: clinical testing. Allele origin: germline. Not counted in ClinVar's aggregate classification.
Comment: This variant is classified as likely benign based on ACMG/AMP sequence variant interpretation guidelines (Richards et al. 2015 PMID: 25741868, with internal and published modifications).

Diagnostic Laboratory, Department of Genetics, University Medical Center Groningen
Classification: Uncertain significance. Review status: no assertion criteria provided. Collection method: clinical testing. Allele origin: germline. Affected: yes. Study: VKGL Data-share Consensus. Not counted in ClinVar's aggregate classification.

Joint Genome Diagnostic Labs from Nijmegen and Maastricht, Radboudumc and MUMC+
Classification: Uncertain significance. Review status: no assertion criteria provided. Collection method: clinical testing. Allele origin: germline. Affected: yes. Study: VKGL Data-share Consensus. Not counted in ClinVar's aggregate classification.

Literature cited by the submitters: PubMed 21248271 (cited by Dasa).